The following is an entry in ClinVar:

NM_000051.4(ATM):c.1916A>T (p.Asp639Val)

Gene: ATM (ATM serine/threonine kinase; plus strand). Cytogenetic location: 11q22.3.
Variant type: single nucleotide variant.
Coding change: c.1916A>T on transcript NM_000051.4 (MANE Select); coding-DNA position 1916, A replaced by T.
Protein change: p.Asp639Val; replaces aspartic acid 639 with valine.
Molecular consequence: missense variant.
Genome position (GRCh38, 1-based): chr11:108,253,831, A>T. VCF-style: chr11-108253831-A-T. GRCh37 (hg19) VCF-style: chr11-108124558-A-T.
Other names: c.1916A>T, p.Asp639Val (NM_001351834.2); short protein forms D639V.
Identifiers: ClinVar variation 1056535 (VCV001056535.9), dbSNP rs1591533846, ClinGen allele CA382536413.
Genomic context (GRCh38, chr11:108,253,831, plus strand): 5'-TTAGGTACTTGGTTTATATATTAAAGATCTTACTTTCTTGAAGTGAACACCACCAAAAAG[A>T]TAAAGAAGAACTTTCATTCTCAGAAGTAGAAGAACTATTTCTTCAGACAACTTTTGACAA-3'
Protein context (NP_000042.3, residues 629-649): SVPECEHHQK[Asp639Val]KEELSFSEVE

ClinVar aggregate classification (germline): Uncertain significance (1 of 4 stars; one submission).

Conditions:
Ataxia-telangiectasia syndrome (AT). Also called: ATAXIA-TELANGIECTASIA, FRESNO VARIANT; Ataxia-telangiectasia, complementation group D; AT, COMPLEMENTATION GROUP C; Ataxia-telangiectasia; Ataxia-telangiectasia, complementation group E; Ataxia telangiectasia (A-T). Identifiers: Orphanet 100, MedGen C0004135, MONDO:0008840, OMIM 208900.

Submission:

Labcorp Genetics (formerly Invitae), Labcorp
Classification: Uncertain significance for Ataxia-telangiectasia syndrome. Last evaluated: 2022-10-10. Review status: criteria provided, single submitter. Criteria: Invitae Variant Classification Sherloc (09022015). Collection method: clinical testing. Allele origin: germline.
Comment: In summary, the available evidence is currently insufficient to determine the role of this variant in disease. Therefore, it has been classified as a Variant of Uncertain Significance. Algorithms developed to predict the effect of sequence changes on RNA splicing suggest that this variant may create or strengthen a splice site. Algorithms developed to predict the effect of missense changes on protein structure and function output the following: SIFT: "Tolerated"; PolyPhen-2: "Benign"; Align-GVGD: "Class C0". The valine amino acid residue is found in multiple mammalian species, which suggests that this missense change does not adversely affect protein function. ClinVar contains an entry for this variant (Variation ID: 1056535). This variant has not been reported in the literature in individuals affected with ATM-related conditions. This variant is not present in population databases (gnomAD no frequency). This sequence change replaces aspartic acid, which is acidic and polar, with valine, which is neutral and non-polar, at codon 639 of the ATM protein (p.Asp639Val).